The following is an entry in ClinVar:

ClinVar aggregate classification (germline): Uncertain significance. Review status: criteria provided, multiple submitters, no conflicts (2 of 4 stars). 2 submissions from 2 submitters: Uncertain significance (2). Last evaluated 2022-09-20.

Conditions:
Hereditary cancer-predisposing syndrome. Also called: Neoplastic Syndromes, Hereditary; Tumor predisposition; Hereditary Cancer Syndrome; Hereditary neoplastic syndrome. Identifiers: Orphanet 140162, MedGen C0027672, MeSH D009386, MONDO:0015356.
Hereditary diffuse gastric adenocarcinoma (HDGC). Also called: DIFFUSE GASTRIC AND LOBULAR BREAST CANCER SYNDROME. Identifiers: Orphanet 26106, MedGen C1708349, MONDO:0007648, OMIM 137215.

Allele frequency attached by ClinVar (database versions not stated): gnomAD exomes below 0.00001; ExAC 0.00001.

Submissions (2):

Labcorp Genetics (formerly Invitae), Labcorp
Classification: Uncertain significance for Hereditary diffuse gastric adenocarcinoma. Last evaluated: 2022-09-20. Review status: criteria provided, single submitter. Criteria: Invitae Variant Classification Sherloc (09022015). Collection method: clinical testing. Allele origin: germline.
Comment: In summary, the available evidence is currently insufficient to determine the role of this variant in disease. Therefore, it has been classified as a Variant of Uncertain Significance. Algorithms developed to predict the effect of missense changes on protein structure and function are either unavailable or do not agree on the potential impact of this missense change (SIFT: "Tolerated"; PolyPhen-2: "Possibly Damaging"; Align-GVGD: "Class C0"). This variant has not been reported in the literature in individuals affected with CDH1-related conditions. This variant is present in population databases (rs759668091, gnomAD 0.0009%). This sequence change replaces aspartic acid, which is acidic and polar, with asparagine, which is neutral and polar, at codon 183 of the CDH1 protein (p.Asp183Asn).

Ambry Genetics
Classification: Uncertain significance for Hereditary cancer-predisposing syndrome. Last evaluated: 2020-12-18. Review status: criteria provided, single submitter. Criteria: Ambry Variant Classification Scheme 2023. Collection method: clinical testing. Allele origin: germline.
Comment: The p.D183N variant (also known as c.547G>A), located in coding exon 5 of the CDH1 gene, results from a G to A substitution at nucleotide position 547. The aspartic acid at codon 183 is replaced by asparagine, an amino acid with highly similar properties. This amino acid position is not well conserved in available vertebrate species. In addition, this alteration is predicted to be tolerated by in silico analysis. Since supporting evidence is limited at this time, the clinical significance of this alteration remains unclear.

NM_004360.5(CDH1):c.547G>A (p.Asp183Asn)

Gene: CDH1 (cadherin 1; plus strand). Cytogenetic location: 16q22.1.
Variant type: single nucleotide variant.
Coding change: c.547G>A on transcript NM_004360.5 (MANE Select); coding-DNA position 547, G replaced by A.
Protein change: p.Asp183Asn; replaces aspartic acid 183 with asparagine.
Molecular consequence: missense variant. On other transcripts: 5 prime UTR variant (2).
Genome position (GRCh38, 1-based): chr16:68,808,708, G>A. VCF-style: chr16-68808708-G-A. GRCh37 (hg19) VCF-style: chr16-68842611-G-A.
Other names: c.547G>A, p.Asp183Asn (NM_001317184.2); c.-1069G>A (NM_001317185.2); c.-1273G>A (NM_001317186.2); short protein forms D183N.
Identifiers: ClinVar variation 1747793 (VCV001747793.9), dbSNP rs759668091, ClinGen allele CA8129892.